The following is an entry in ClinVar:

NM_001013838.3(CARMIL2):c.1628T>A (p.Ile543Asn)

Gene: CARMIL2 (capping protein regulator and myosin 1 linker 2; plus strand). Cytogenetic location: 16q22.1.
Variant type: single nucleotide variant.
Coding change: c.1628T>A on transcript NM_001013838.3 (MANE Select); coding-DNA position 1628, T replaced by A.
Protein change: p.Ile543Asn; replaces isoleucine 543 with asparagine.
Molecular consequence: missense variant.
Genome position (GRCh38, 1-based): chr16:67,649,112, T>A. VCF-style: chr16-67649112-T-A. GRCh37 (hg19) VCF-style: chr16-67683015-T-A.
Other names: c.1520T>A, p.Ile507Asn (NM_001317026.3); short protein forms I543N, I507N.
Identifiers: ClinVar variation 1407663 (VCV001407663.8), dbSNP rs2142923402, ClinGen allele CA396337174.

ClinVar aggregate classification (germline): Uncertain significance (1 of 4 stars; one submission).

Submission:

Labcorp Genetics (formerly Invitae), Labcorp
Classification: Uncertain significance. Last evaluated: 2023-08-30. Review status: criteria provided, single submitter. Criteria: Invitae Variant Classification Sherloc (09022015). Collection method: clinical testing. Allele origin: germline.
Comment: This sequence change replaces isoleucine, which is neutral and non-polar, with asparagine, which is neutral and polar, at codon 543 of the CARMIL2 protein (p.Ile543Asn). This variant is not present in population databases (gnomAD no frequency). This variant has not been reported in the literature in individuals affected with CARMIL2-related conditions. ClinVar contains an entry for this variant (Variation ID: 1407663). Advanced modeling of protein sequence and biophysical properties (such as structural, functional, and spatial information, amino acid conservation, physicochemical variation, residue mobility, and thermodynamic stability) performed at Invitae indicates that this missense variant is expected to disrupt CARMIL2 protein function. In summary, the available evidence is currently insufficient to determine the role of this variant in disease. Therefore, it has been classified as a Variant of Uncertain Significance.